The following is an entry in ClinVar:

ClinVar aggregate classification (germline): Uncertain significance (1 of 4 stars; one submission).

Allele frequency attached by ClinVar (database versions not stated): gnomAD 0.00001; gnomAD exomes 0.00001; ExAC 0.00002; TOPMed 0.00002; ESP Exome Variant Server 0.00008.
gnomAD v4.1: 19 of 1,613,876 alleles (0.0012%); highest among the groups gnomAD compares: South Asian, 0.0033%; no homozygotes.

Submission:

Labcorp Genetics (formerly Invitae), Labcorp
Classification: Uncertain significance. Last evaluated: 2025-10-26. Review status: criteria provided, single submitter. Criteria: Invitae Variant Classification Sherloc (09022015). Collection method: clinical testing. Allele origin: germline.
Comment: This sequence change affects codon 1277 of the COL7A1 mRNA. It is a 'silent' change, meaning that it does not change the encoded amino acid sequence of the COL7A1 protein. This variant also falls at the last nucleotide of exon 30, which is part of the consensus splice site for this exon. This variant is present in population databases (rs369349097, gnomAD 0.007%). This variant has not been reported in the literature in individuals affected with COL7A1-related conditions. ClinVar contains an entry for this variant (Variation ID: 2148175). Variants that disrupt the consensus splice site are a relatively common cause of aberrant splicing (PMID: 17576681, 9536098). Algorithms developed to predict the effect of sequence changes on RNA splicing suggest that this variant may disrupt the consensus splice site. In summary, the available evidence is currently insufficient to determine the role of this variant in disease. Therefore, it has been classified as a Variant of Uncertain Significance.

Literature cited by the submitters: PubMed 17576681; PubMed 9536098.

NM_000094.4(COL7A1):c.3831G>A (p.Pro1277=)

Gene: COL7A1 (collagen type VII alpha 1 chain; minus strand). Cytogenetic location: 3p21.31.
Variant type: single nucleotide variant.
Coding change: c.3831G>A on transcript NM_000094.4 (MANE Select); coding-DNA position 3831, G replaced by A.
Protein change: p.Pro1277=; no amino-acid change (proline 1277 retained).
Molecular consequence: synonymous variant.
Genome position (GRCh38, 1-based): chr3:48,585,690, C>T on the plus strand (G>A on the coding strand, the complement: COL7A1 is on the minus strand). VCF-style: chr3-48585690-C-T. GRCh37 (hg19) VCF-style: chr3-48623123-C-T.
Identifiers: ClinVar variation 2148175 (VCV002148175.2), dbSNP rs369349097, ClinGen allele CA2380378.